The following is an entry in ClinVar:

ClinVar aggregate classification (germline): Pathogenic (1 of 4 stars; one submission).

Conditions:
Glycogen storage disease IXb (GSD9B). Also called: GLYCOGENOSIS OF LIVER AND MUSCLE, AUTOSOMAL RECESSIVE; GSD IXb; PHOSPHORYLASE KINASE DEFICIENCY OF LIVER AND MUSCLE, AUTOSOMAL RECESSIVE. Identifiers: Orphanet 79240, MedGen C0543514, MONDO:0009868, OMIM 261750.

Allele frequency attached by ClinVar (database versions not stated): TOPMed below 0.00001.

Submission:

Labcorp Genetics (formerly Invitae), Labcorp
Classification: Pathogenic for Glycogen storage disease IXb. Last evaluated: 2023-06-20. Review status: criteria provided, single submitter. Criteria: Invitae Variant Classification Sherloc (09022015). Collection method: clinical testing. Allele origin: germline.
Comment: For these reasons, this variant has been classified as Pathogenic. This variant has not been reported in the literature in individuals affected with PHKB-related conditions. This variant is not present in population databases (gnomAD no frequency). This sequence change creates a premature translational stop signal (p.Asn42Lysfs*78) in the PHKB gene. It is expected to result in an absent or disrupted protein product. Loss-of-function variants in PHKB are known to be pathogenic (PMID: 9215682, 9326319).

Literature cited by the submitters: PubMed 9215682; PubMed 9326319.

NM_000293.3(PHKB):c.126del (p.Asn42fs)

Gene: PHKB (phosphorylase kinase regulatory subunit beta; plus strand). Cytogenetic location: 16q12.1.
Variant type: Deletion.
Coding change: c.126del on transcript NM_000293.3 (MANE Select); coding-DNA position 126, one base deleted (T; older notation c.126delT).
Protein change: p.Asn42fs; shifts the reading frame from asparagine 42.
Molecular consequence: frameshift variant.
Genome position (GRCh38, 1-based): chr16:47,497,448, T deleted. VCF-style (leftmost placement, unchanged base first): chr16-47497447-AT-A. GRCh37 (hg19) VCF-style: chr16-47531358-AT-A.
Other names: c.105del, p.Asn35fs (NM_001031835.3); c.126del, p.Asn42fs (NM_001363837.1); short protein forms N42fs, N35fs.
Identifiers: ClinVar variation 2917608 (VCV002917608.3), dbSNP rs1970251710, ClinGen allele CA2220370150.